The following is an entry in ClinVar:

NM_000257.4(MYH7):c.2890G>T (p.Val964Leu)

Gene: MYH7 (myosin heavy chain 7; minus strand). Cytogenetic location: 14q11.2.
Variant type: single nucleotide variant.
Coding change: c.2890G>T on transcript NM_000257.4 (MANE Select); coding-DNA position 2890, G replaced by T.
Protein change: p.Val964Leu; replaces valine 964 with leucine.
Molecular consequence: missense variant.
Genome position (GRCh38, 1-based): chr14:23,423,939, C>A on the plus strand (G>T on the coding strand, the complement: MYH7 is on the minus strand). VCF-style: chr14-23423939-C-A. GRCh37 (hg19) VCF-style: chr14-23893148-C-A.
Other names: c.2890G>T, p.Val964Leu (NM_001407004.1); short protein forms V964L.
Identifiers: ClinVar variation 4756908 (VCV004756908.1).
Genomic context (GRCh38, chr14:23,423,939, plus strand): 5'-GGCTGGAGCCAAAGGGAGCTGCCCTTACCTTGTTCTCTGTTGCGTGTTTCTCCTTCTCCA[C>A]TTTGGCCAGTGTCAGCTCCAGATCATCGATGTCCCTTTTGAGCTCTGAGCACTCATCTTC-3'
Protein context (NP_000248.2, residues 954-974): IDDLELTLAK[Val964Leu]EKEKHATENK

ClinVar aggregate classification (germline): Uncertain significance (1 of 4 stars; one submission).

Conditions:
Cardiomyopathy (CMYO). Also called: Cardiomyopathies. Identifiers: Orphanet 167848, MedGen C0878544, MONDO:0004994, HP:0001638. Inheritance: Various modes of inheritance.

Submission:

Color Diagnostics, LLC DBA Color Health
Classification: Uncertain significance for Cardiomyopathy. Last evaluated: 2025-06-23. Review status: criteria provided, single submitter. Criteria: ACMG Guidelines, 2015. Collection method: clinical testing. Allele origin: germline.
Comment: This missense variant replaces valine with leucine at codon 964 of the MYH7 protein. Computational prediction is inconclusive regarding the impact of this variant on protein structure and function. To our knowledge, functional studies have not been reported for this variant. This variant has not been reported in individuals affected with MYH7-related disorders in the literature. This variant has not been identified in the general population by the Genome Aggregation Database (gnomAD). The available evidence is insufficient to determine the role of this variant in disease conclusively. Therefore, this variant is classified as a Variant of Uncertain Significance.